The following continues an entry in ClinVar:

NM_001048174.2(MUTYH):c.1130C>T (p.Pro377Leu)

Gene: MUTYH. ClinVar aggregate classification (germline): Pathogenic. Pathogenic (20).

Submissions 9 to 29 of 29:

Blueprint Genetics
Classification: Pathogenic for MUTYH-related disorders. Last evaluated: 2024-05-14. Review status: criteria provided, single submitter. Criteria: ACMG Guidelines, 2015. Collection method: clinical testing. Allele origin: germline. Affected: yes. Observed: 5 variant alleles.

Baylor Genetics
Classification: Pathogenic for Familial adenomatous polyposis 2. Last evaluated: 2024-03-24. Review status: criteria provided, single submitter. Criteria: ACMG Guidelines, 2015. Collection method: clinical testing. Allele origin: unknown.

GeneDx
Classification: Pathogenic. Last evaluated: 2023-07-26. Review status: criteria provided, single submitter. Criteria: GeneDx Variant Classification Process June 2021. Collection method: clinical testing. Allele origin: germline. Affected: yes.
Comment: Published functional studies demonstrate a damaging effect: variant associated with severely impaired glycosylase activity and severely suppressed oxidative mutagenesis (Kundu et al., 2009; Goto et al., 2010; Shinmura et al., 2012; Komine et al., 2015); Not observed at significant frequency in large population cohorts (gnomAD); In silico analysis supports that this missense variant has a deleterious effect on protein structure/function; This variant is associated with the following publications: (PMID: 23322991, 25820570, 25938944, 23007840, 17674103, 22297469, 19031083, 28152038, 32088803, 32782288, 19836313, 20848659, 19732775, 16140997, 27153395, 28873162, 28790112, 28944238, 27631816, 20191381, 16557584, 16616356, 20618354, 18506705, 17489848, 25937855, 23605219, 31589614, 30787465, 30604180, 34680242, 23108399, 30291343)

Fulgent Genetics
Classification: Pathogenic for Familial adenomatous polyposis 2; Gastric cancer. Last evaluated: 2022-05-04. Review status: criteria provided, single submitter. Criteria: ACMG Guidelines, 2015. Collection method: clinical testing. Allele origin: unknown.

Women's Health and Genetics/Laboratory Corporation of America, LabCorp
Classification: Pathogenic for Familial adenomatous polyposis 2. Last evaluated: 2022-03-29. Review status: criteria provided, single submitter. Criteria: LabCorp Variant Classification Summary - May 2015. Collection method: clinical testing. Allele origin: germline.
Comment: Variant summary: MUTYH c.1214C>T (p.Pro405Leu) results in a non-conservative amino acid change located in the NUDIX hydrolase domain (IPR000086) of the encoded protein sequence. Five of five in-silico tools predict a damaging effect of the variant on protein function. The variant allele was found at a frequency of 7.2e-05 in 250510 control chromosomes. This frequency is not significantly higher than estimated for a pathogenic variant in MUTYH causing MUTYH-Associated Polyposis (7.2e-05 vs 0.0046), allowing no conclusion about variant significance. c.1214C>T has been widely reported in the literature as a Dutch founder mutation in multiple biallelic homozygous and compound heterozygous individuals affected with MUTYH-Associated Polyposis (example, Jones_2009). These data indicate that the variant is very likely to be associated with disease. At least one publication reports experimental evidence evaluating an impact on protein function (Komine_2009). The most pronounced variant effect results in a functionally defective Base Excision Repair (BER) activity in a MutY-Deficient E. coli Complementation Assay. Multiple clinical diagnostic laboratories have submitted clinical-significance assessments for this variant to ClinVar after 2014 without evidence for independent evaluation. All submitters classified the variant as pathogenic. Based on the evidence outlined above, the variant was classified as pathogenic.

Laboratory for Molecular Medicine, Mass General Brigham Personalized Medicine
Classification: Pathogenic for Familial adenomatous polyposis 2. Last evaluated: 2019-04-05. Review status: criteria provided, single submitter. Criteria: ACMG Guidelines, 2015. Collection method: clinical testing. Allele origin: germline. Inheritance: Autosomal recessive inheritance.
Comment: The p.Pro405Leu variant in MUTYH has been reported in the homozygous or compound heterozygous state in >20 individuals with autosomal recessive MUTYH-related attenuated familial adenomatous polyposis (FAP) or associated cancers (Nielsen 2005, Kanter-Smoler 2006, Aretz 2006, Vogt 2009), and was found to segregate with disease in at least 7 relatives from multiple families (Vogt 2009, Kanter-Smoler 2006). This variant has been suggested to be a Dutch founder mutation (Nielsen 2005). This variant has also been reported in ClinVar (Variation ID: 142604). This variant has been identified in 16/126332 European chromosomes by the Genome Aggregation Database (ExAC; dbSNP rs529008617); however, its frequency is low enough to be consistent with a recessive carrier frequency. In vitro functional studies provide some evidence that the p.Pro405Leu variant may impact protein function (Kundu 2009, Goto 2010, Shinmura 2012, Komine 2015). Computational prediction tools and conservation analysis suggest that the p.Pro405Leu variant may impact the protein. In summary, this variant meets criteria to be classified as pathogenic for MUTYH-related FAP in an autosomal recessive manner based upon segregation studies and functional evidence. ACMG/AMP criteria applied: PM3_VS, PS4, PP1_S, PP3, PS3_P

Department of Pathology and Laboratory Medicine, Sinai Health System
Classification: Pathogenic for Familial adenomatous polyposis 2. Last evaluated: 2019-04-01. Review status: criteria provided, single submitter. Criteria: ACMG Guidelines, 2015. Collection method: research. Allele origin: germline.

Revvity Omics, Revvity
Classification: Pathogenic for Familial adenomatous polyposis 2. Last evaluated: 2019-02-11. Review status: criteria provided, single submitter. Criteria: ACMG Guidelines, 2015. Collection method: clinical testing. Allele origin: germline.

Illumina Laboratory Services, Illumina
Classification: Pathogenic for Familial adenomatous polyposis 2. Last evaluated: 2018-12-13. Review status: criteria provided, single submitter. Criteria: ICSL Variant Classification Criteria 09 May 2019. Collection method: clinical testing. Allele origin: germline.
Comment: The MUTYH c.1172C>T (p.Pro391Leu) is a missense variant. Across a selection of the available literature, the p.Pro391Leu variant has been found in 19 individuals affected with polyposis, including six in a homozygous state and 13 in a compound heterozygous state (Kanter-Smoler G et al. 2006; Nielsen et al. 2005; Aretz et al. 2006; Middeldorp et al. 2008). The variant was absent from 424 control alleles and is reported at a frequency of 0.000183 in the European (non-Finnish) population of the Exome Aggregation Consortium (Kanter-Smoler G et al. 2006; Aretz et al. 2006). Functional studies demonstrated the variant resulted in severely impaired glycosylase activity (Kundu et al. 2009; Goto et al. 2010) and mutation suppression compared to wild type (Kundu et al. 2009; Shinmura et al. 2012; Komine et al. 2015). The Pro391 residue is conserved across species and is located in a functionally important domain (Kundu et al. 2009). Based on the collective data, the p.Pro391Leu variant is classified as pathogenic for MYH-associated polyposis. This variant was observed by ICSL as part of a predisposition screen in an ostensibly healthy population.

Clinical Genetics and Genomics, Karolinska University Hospital
Classification: Pathogenic. Last evaluated: 2018-06-11. Review status: criteria provided, single submitter. Criteria: ACMG Guidelines, 2015. Collection method: clinical testing. Allele origin: germline. Affected: yes. Observed: 2 variant alleles.

Quest Diagnostics Nichols Institute San Juan Capistrano
Classification: Pathogenic. Last evaluated: 2017-05-12. Review status: criteria provided, single submitter. Criteria: Quest Diagnostics criteria. Collection method: clinical testing. Allele origin: germline.

St. Jude Molecular Pathology, St. Jude Children's Research Hospital
Classification: Pathogenic for B lymphoblastic leukemia lymphoma, no ICD-O subtype. Last evaluated: 2017-04-04. Review status: criteria provided, single submitter. Criteria: ACMG Guidelines, 2015. Collection method: clinical testing. Allele origin: germline. Affected: yes.
Comment: This is a missense alteration in which a C is replaced by a T at coding nucleotide 1214 and is predicted to change a Proline to a Leucine at amino acid codon 405. Classification criteria: PS3, PM2, PM3, PP3, PP5.

Counsyl
Classification: Pathogenic for Familial adenomatous polyposis 2. Last evaluated: 2017-01-17. Review status: no assertion criteria provided. Collection method: clinical testing. Allele origin: unknown. Not counted in ClinVar's aggregate classification.

Pathway Genomics
Classification: Pathogenic for Carcinoma of colon. Last evaluated: 2014-07-24. Review status: no assertion criteria provided. Collection method: clinical testing. Allele origin: germline. Not counted in ClinVar's aggregate classification.

Clinical Genetics DNA and cytogenetics Diagnostics Lab, Erasmus MC, Erasmus Medical Center
Classification: Pathogenic. Review status: no assertion criteria provided. Collection method: clinical testing. Allele origin: germline. Affected: yes. Study: VKGL Data-share Consensus. Not counted in ClinVar's aggregate classification.

Department of Pathology and Laboratory Medicine, Sinai Health System
Classification: Pathogenic for Carcinoma of colon. Review status: no assertion criteria provided. Collection method: clinical testing. Allele origin: unknown. Affected: yes. Study: The Canadian Open Genetics Repository (COGR). Not counted in ClinVar's aggregate classification.
Comment: The p.Pro405Leu (Alias: p.Pro391Leu) variant has been previously reported in the literature in 30/1730 proband chromosomes, of whom 23 were homozygous or compound heterozygous for this variant or a second pathogenic variant, consistent with the autosomal recessive inheritance of the MUTYH-associated polyposis coli. The variant was not observed in 424 controls (Aretz 2006, Bouquen 2007, Goto_2010, Kanter-Smoler 2006, Kundu 2009, Middeldorp 2008, Nielsen 2005, Vogt 2009). The MYH Pro405/391 residue is conserved across mammals, and computational analyses (PolyPhen, SIFT, AlignGVGD) suggest that the variant may impact the protein. Although this information is not predictive enough to assume pathogenicity, functional studies analyzing the adenine glycosylase activity have shown that the variant showed compromised enzymatic activity that was 30â€šÃ„Ã¬40% of the wild type enzyme. (Goto 2010, Kundu 2009). In summary, based on the above information, this variant is classified as pathogenic.

Diagnostic Laboratory, Department of Genetics, University Medical Center Groningen
Classification: Pathogenic. Review status: no assertion criteria provided. Collection method: clinical testing. Allele origin: germline. Affected: yes. Study: VKGL Data-share Consensus. Not counted in ClinVar's aggregate classification.

GeneReviews
No classification provided. Condition: Familial adenomatous polyposis 2. Review status: no classification provided. Collection method: literature only. Allele origin: germline. Not counted in ClinVar's aggregate classification.
Comment: Common in the Dutch population

Genome Diagnostics Laboratory, Amsterdam University Medical Center
Classification: Pathogenic. Review status: no assertion criteria provided. Collection method: clinical testing. Allele origin: germline. Affected: yes. Study: VKGL Data-share Consensus. Not counted in ClinVar's aggregate classification.

Joint Genome Diagnostic Labs from Nijmegen and Maastricht, Radboudumc and MUMC+
Classification: Pathogenic. Review status: no assertion criteria provided. Collection method: clinical testing. Allele origin: germline. Affected: yes. Study: VKGL Data-share Consensus. Not counted in ClinVar's aggregate classification.

Laboratory of Diagnostic Genome Analysis, Leiden University Medical Center (LUMC)
Classification: Pathogenic. Review status: no assertion criteria provided. Collection method: clinical testing. Allele origin: germline. Affected: yes. Study: VKGL Data-share Consensus. Not counted in ClinVar's aggregate classification.

Literature cited by the submitters: PubMed 16140997 (cited by 9 submitters); PubMed 16557584 (cited by 6 submitters); PubMed 16616356 (cited by 6 submitters); PubMed 19732775 (cited by 9 submitters); PubMed 17161978 (cited by Labcorp Genetics (formerly Invitae), Labcorp); PubMed 20191381 (cited by 4 submitters); PubMed 19836313 (cited by 8 submitters); PubMed 20848659 (cited by 10 submitters); PubMed 23322991 (cited by 7 submitters); PubMed 25820570 (cited by 10 submitters); PubMed 17674103 (cited by Color Diagnostics, LLC DBA Color Health and All of Us Research Program, National Institutes of Health); PubMed 18172263 (cited by Color Diagnostics, LLC DBA Color Health and All of Us Research Program, National Institutes of Health); PubMed 20618354 (cited by 3 submitters); PubMed 22297469 (cited by 3 submitters); PubMed 25938944 (cited by Color Diagnostics, LLC DBA Color Health and All of Us Research Program, National Institutes of Health); PubMed 28944238 (cited by 3 submitters); PubMed 23007840 (cited by Ambry Genetics); PubMed 25937855 (cited by Ambry Genetics); PubMed 27153395 (cited by Ambry Genetics); PubMed 19394335 (cited by Women's Health and Genetics/Laboratory Corporation of America, LabCorp); PubMed 18506705 (cited by Illumina Laboratory Services, Illumina); PubMed 17489848 (cited by Counsyl); PubMed 23035301 (cited by GeneReviews).